The following is an entry in ClinVar:

ClinVar aggregate classification (germline): Benign/Likely benign. Review status: criteria provided, multiple submitters, no conflicts (2 of 4 stars). 3 submissions from 3 submitters: Benign (1); Likely benign (2). Last evaluated 2024-04-12.

Conditions:
Familial adenomatous polyposis 1 (FAP1). Also called: FAMILIAL ADENOMATOUS POLYPOSIS 1, ATTENUATED; POLYPOSIS, ADENOMATOUS INTESTINAL. Identifiers: MedGen C2713442, MONDO:0021056, OMIM 175100. Disease mechanism: loss of function.
Hereditary cancer-predisposing syndrome. Also called: Tumor predisposition; Neoplastic Syndromes, Hereditary; Hereditary neoplastic syndrome; Hereditary Cancer Syndrome. Identifiers: Orphanet 140162, MedGen C0027672, MeSH D009386, MONDO:0015356.

Submissions (3):

Myriad Genetics, Inc.
Classification: Benign for Familial adenomatous polyposis 1. Last evaluated: 2024-04-12. Review status: criteria provided, single submitter. Criteria: Myriad Autosomal Dominant, Autosomal Recessive and X-Linked Classification Criteria (2023). Collection method: clinical testing. Allele origin: unknown.
Comment: This variant is considered benign. This variant is a silent/synonymous amino acid change and it is not expected to impact splicing.

Ambry Genetics
Classification: Likely benign for Hereditary cancer-predisposing syndrome. Last evaluated: 2019-08-16. Review status: criteria provided, single submitter. Criteria: Ambry Variant Classification Scheme 2023. Collection method: clinical testing. Allele origin: germline.

Labcorp Genetics (formerly Invitae), Labcorp
Classification: Likely benign for Familial adenomatous polyposis 1. Last evaluated: 2016-09-19. Review status: criteria provided, single submitter. Criteria: Invitae Variant Classification Sherloc (09022015). Collection method: clinical testing. Allele origin: germline.

NM_000038.6(APC):c.8127C>G (p.Gly2709=)

Gene: APC (APC regulator of Wnt signaling pathway; plus strand). Cytogenetic location: 5q22.2.
Variant type: single nucleotide variant.
Coding change: c.8127C>G on transcript NM_000038.6 (MANE Select); coding-DNA position 8127, C replaced by G.
Protein change: p.Gly2709=; no amino-acid change (glycine 2709 retained).
Molecular consequence: synonymous variant.
Genome position (GRCh38, 1-based): chr5:112,843,721, C>G. VCF-style: chr5-112843721-C-G. GRCh37 (hg19) VCF-style: chr5-112179418-C-G.
Other names: c.8127C>G, p.Gly2709= (NM_001127510.3, NM_001354895.2); c.8073C>G, p.Gly2691= (NM_001127511.3); c.8181C>G, p.Gly2727= (NM_001354896.2); c.8157C>G, p.Gly2719= (NM_001354897.2); c.8052C>G, p.Gly2684= (NM_001354898.2); c.8043C>G, p.Gly2681= (NM_001354899.2); c.8004C>G, p.Gly2668= (NM_001354900.2); c.7950C>G, p.Gly2650= (NM_001354901.2); and 5 more.
Identifiers: ClinVar variation 416720 (VCV000416720.16), dbSNP rs1060504871, ClinGen allele CA16611678.
Genomic context (GRCh38, chr5:112,843,721, plus strand): 5'-GGCAAATCCAAACATTAAAGATTCAAAAGATAATCAGGCAAAACAAAATGTGGGTAATGG[C>G]AGTGTTCCCATGCGTACCGTGGGTTTGGAAAATCGCCTGAACTCCTTTATTCAGGTGGAT-3'
Protein context (NP_000029.2, residues 2699-2719): DNQAKQNVGN[Gly2709=]SVPMRTVGLE